The following is an entry in ClinVar:

NM_194248.3(OTOF):c.3937G>A (p.Ala1313Thr)

Gene: OTOF (otoferlin; minus strand). Cytogenetic location: 2p23.3.
Variant type: single nucleotide variant.
Coding change: c.3937G>A on transcript NM_194248.3 (MANE Select); coding-DNA position 3937, G replaced by A.
Protein change: p.Ala1313Thr; replaces alanine 1313 with threonine.
Molecular consequence: missense variant.
Genome position (GRCh38, 1-based): chr2:26,470,679, C>T on the plus strand (G>A on the coding strand, the complement: OTOF is on the minus strand). VCF-style: chr2-26470679-C-T. GRCh37 (hg19) VCF-style: chr2-26693547-C-T.
Other names: c.3937G>A, p.Ala1313Thr (NM_001287489.2); c.1636G>A, p.Ala546Thr (NM_004802.4, NM_194323.3); c.1867G>A, p.Ala623Thr (NM_194322.3); short protein forms A1313T, A546T, A623T.
Identifiers: ClinVar variation 3364820 (VCV003364820.1).

ClinVar aggregate classification (germline): Uncertain significance (1 of 4 stars; one submission).

gnomAD v4.1: 1 of 1,613,772 alleles (0.000062%); highest among the groups gnomAD compares: Non-Finnish European, 0.000085%; no homozygotes.

Submission:

GeneDx
Classification: Uncertain significance. Last evaluated: 2023-12-01. Review status: criteria provided, single submitter. Criteria: GeneDx Variant Classification Process June 2021. Collection method: clinical testing. Allele origin: germline. Affected: yes.
Comment: Not observed at significant frequency in large population cohorts (gnomAD); In silico analysis supports that this missense variant does not alter protein structure/function; Has not been previously published as pathogenic or benign to our knowledge